The following is an entry in ClinVar:

ClinVar aggregate classification (germline): Uncertain significance (1 of 4 stars; one submission).

gnomAD v4.1: 18 of 1,536,902 alleles (0.0012%); highest among the groups gnomAD compares: South Asian, 0.005%; no homozygotes.

Submission:

Ambry Genetics
Classification: Uncertain significance. Last evaluated: 2025-04-11. Review status: criteria provided, single submitter. Criteria: Ambry Variant Classification Scheme 2023. Collection method: clinical testing. Allele origin: germline.
Comment: The p.V1832M variant (also known as c.5494G>A), located in coding exon 22 of the WNK2 gene, results from a G to A substitution at nucleotide position 5494. The valine at codon 1832 is replaced by methionine, an amino acid with highly similar properties. This amino acid position is conserved. In addition, this alteration is predicted to be tolerated by in silico analysis. Based on the available evidence, the clinical significance of this variant remains unclear.

NM_006648.4(WNK2):c.5494G>A (p.Val1832Met)

Gene: WNK2 (WNK lysine deficient protein kinase 2; plus strand). Cytogenetic location: 9q22.31.
Variant type: single nucleotide variant.
Coding change: c.5494G>A on transcript NM_006648.4 (MANE Select); coding-DNA position 5494, G replaced by A.
Protein change: p.Val1832Met; replaces valine 1832 with methionine.
Molecular consequence: missense variant.
Genome position (GRCh38, 1-based): chr9:93,292,959, G>A. VCF-style: chr9-93292959-G-A. GRCh37 (hg19) VCF-style: chr9-96055241-G-A.
Other names: c.5605G>A, p.Val1869Met (NM_001282394.3); short protein forms V1832M, V1869M.
Identifiers: ClinVar variation 3981856 (VCV003981856.1).